The following is an entry in ClinVar:

ClinVar aggregate classification (germline): Uncertain significance. Review status: criteria provided, multiple submitters, no conflicts (2 of 4 stars). 2 submissions from 2 submitters: Uncertain significance (2). Last evaluated 2026-08-01.

gnomAD v4.1: 19 of 1,612,726 alleles (0.0012%); highest among the groups gnomAD compares: Non-Finnish European, 0.0014%; no homozygotes.

Submissions (2):

CeGaT Center for Human Genetics Tuebingen
Classification: Uncertain significance. Last evaluated: 2026-08-01. Review status: criteria provided, single submitter. Criteria: CeGaT Center For Human Genetics Tuebingen Variant Classification Criteria Version 2. Collection method: clinical testing. Allele origin: germline. Affected: yes. Observed: 1 variant allele.
Comment: CAD: PM2, BP4

Labcorp Genetics (formerly Invitae), Labcorp
Classification: Uncertain significance. Last evaluated: 2024-05-15. Review status: criteria provided, single submitter. Criteria: Invitae Variant Classification Sherloc (09022015). Collection method: clinical testing. Allele origin: germline.
Comment: This sequence change falls in intron 33 of the CAD gene. It does not directly change the encoded amino acid sequence of the CAD protein. It affects a nucleotide within the consensus splice site. This variant is present in population databases (no rsID available, gnomAD 0.003%). This variant has not been reported in the literature in individuals affected with CAD-related conditions. Variants that disrupt the consensus splice site are a relatively common cause of aberrant splicing (PMID: 17576681, 9536098). Algorithms developed to predict the effect of sequence changes on RNA splicing suggest that this variant is not likely to affect RNA splicing. In summary, the available evidence is currently insufficient to determine the role of this variant in disease. Therefore, it has been classified as a Variant of Uncertain Significance.

Literature cited by the submitters: PubMed 17576681 (cited by Labcorp Genetics (formerly Invitae), Labcorp); PubMed 9536098 (cited by Labcorp Genetics (formerly Invitae), Labcorp).

NM_004341.5(CAD):c.5394+4C>T

Gene: CAD (carbamoyl-phosphate synthetase 2, aspartate transcarbamylase, and dihydroorotase; plus strand). Cytogenetic location: 2p23.3.
Variant type: single nucleotide variant.
Coding change: c.5394+4C>T on transcript NM_004341.5 (MANE Select); 4 bases into the intron after coding-DNA position 5394, C replaced by T.
Molecular consequence: intron variant.
Genome position (GRCh38, 1-based): chr2:27,239,475, C>T. VCF-style: chr2-27239475-C-T. GRCh37 (hg19) VCF-style: chr2-27462343-C-T.
Other names: c.5205+4C>T (NM_001306079.2).
Identifiers: ClinVar variation 3608554 (VCV003608554.2).
Genomic context (GRCh38, chr2:27,239,475, plus strand): 5'-AAGGGCACCGTCCGCCGTGTGGTCCTGCGAGGGGAGGTTGCCTATATCGATGGGCAGGTA[C>T]GCAAGTAGCCCCTGCCTGATCTCAGTAGTGCCCTCTTCTGCACCACGTTCATTTCTTCCC-3'